The following is an entry in ClinVar:

ClinVar aggregate classification (germline): Uncertain significance (1 of 4 stars; one submission).

Allele frequency attached by ClinVar (database versions not stated): TOPMed below 0.00001.
gnomAD v4.1: 1 of 1,614,220 alleles (0.000062%); highest among the groups gnomAD compares: African/African-American, 0.0013%; no homozygotes.

Submission:

Labcorp Genetics (formerly Invitae), Labcorp
Classification: Uncertain significance. Last evaluated: 2025-03-31. Review status: criteria provided, single submitter. Criteria: Invitae Variant Classification Sherloc (09022015). Collection method: clinical testing. Allele origin: germline.
Comment: This sequence change replaces cysteine, which is neutral and slightly polar, with tyrosine, which is neutral and polar, at codon 31 of the KCNV2 protein (p.Cys31Tyr). This variant is not present in population databases (gnomAD no frequency). This variant has not been reported in the literature in individuals affected with KCNV2-related conditions. ClinVar contains an entry for this variant (Variation ID: 2096673). Invitae Evidence Modeling of protein sequence and biophysical properties (such as structural, functional, and spatial information, amino acid conservation, physicochemical variation, residue mobility, and thermodynamic stability) indicates that this missense variant is not expected to disrupt KCNV2 protein function with a negative predictive value of 95%. In summary, the available evidence is currently insufficient to determine the role of this variant in disease. Therefore, it has been classified as a Variant of Uncertain Significance.

NM_133497.4(KCNV2):c.92G>A (p.Cys31Tyr)

Gene: KCNV2 (potassium voltage-gated channel modifier subfamily V member 2; plus strand). Cytogenetic location: 9p24.2.
Variant type: single nucleotide variant.
Coding change: c.92G>A on transcript NM_133497.4 (MANE Select); coding-DNA position 92, G replaced by A.
Protein change: p.Cys31Tyr; replaces cysteine 31 with tyrosine.
Molecular consequence: missense variant.
Genome position (GRCh38, 1-based): chr9:2,717,831, G>A. VCF-style: chr9-2717831-G-A. GRCh37 (hg19) VCF-style: chr9-2717831-G-A.
Other names: short protein forms C31Y.
Identifiers: ClinVar variation 2096673 (VCV002096673.4), dbSNP rs1819760701, ClinGen allele CA372795694.